The following is an entry in ClinVar:

ClinVar aggregate classification (germline): Uncertain significance (1 of 4 stars; one submission).

Conditions:
Atypical hemolytic-uremic syndrome. Identifiers: Orphanet 2134, MedGen C2931788, MONDO:0016244.
Basal laminar drusen. Also called: DRUSEN OF BRUCH MEMBRANE; DRUSEN, CUTICULAR; DRUSEN, EARLY ADULT-ONSET, GROUPED. Identifiers: Orphanet 75376, MedGen C0730295, MONDO:0007472, OMIM 126700.
Factor H deficiency (CFHD). Also called: COMPLEMENT FACTOR H DEFICIENCY; CFH DEFICIENCY. Identifiers: Orphanet 200421, MedGen C0398777, MONDO:0012350, OMIM 609814.
Age related macular degeneration 4. Identifiers: MedGen C1853147, MONDO:0012540, OMIM 610698.

Submission:

Genomenon, Inc
Classification: Uncertain significance for Basal laminar drusen; Age related macular degeneration 4; Atypical hemolytic-uremic syndrome; Factor H deficiency. Last evaluated: 2025-10-02. Review status: criteria provided, single submitter. Criteria: Genomenon Sequence Variant Interpretation Standards - Updated. Collection method: curation. Allele origin: germline. Affected: no.
Comment: CFH p.Tyr352His (c.1054T>C) is a missense variant that changes the amino acid at residue 352 from Tyrosine to Histidine. This variant has been reported in the published literature (PMID:19273554). It is absent or not present at a significant frequency in gnomAD. In silico models agree that this variant is not damaging. In conclusion, we classify CFH p.Tyr352His (c.1054T>C) as a variant of uncertain significance.

Literature cited by the submitters: PubMed 19273554.

NM_000186.4(CFH):c.1054T>C (p.Tyr352His)

Gene: CFH (complement factor H; plus strand). Cytogenetic location: 1q31.3.
Variant type: single nucleotide variant.
Coding change: c.1054T>C on transcript NM_000186.4 (MANE Select); coding-DNA position 1054, T replaced by C.
Protein change: p.Tyr352His; replaces tyrosine 352 with histidine.
Molecular consequence: missense variant.
Genome position (GRCh38, 1-based): chr1:196,689,509, T>C. VCF-style: chr1-196689509-T-C. GRCh37 (hg19) VCF-style: chr1-196658639-T-C.
Other names: c.1054T>C, p.Tyr352His (NM_001014975.3); short protein forms Y352H.
Identifiers: ClinVar variation 4291351 (VCV004291351.1).